The following is an entry in ClinVar:

ClinVar aggregate classification (germline): Uncertain significance (1 of 4 stars; one submission).

Conditions:
Familial adenomatous polyposis 1 (FAP1). Also called: POLYPOSIS, ADENOMATOUS INTESTINAL; FAMILIAL ADENOMATOUS POLYPOSIS 1, ATTENUATED. Identifiers: MedGen C2713442, MONDO:0021056, OMIM 175100. Disease mechanism: loss of function.

Submission:

Labcorp Genetics (formerly Invitae), Labcorp
Classification: Uncertain significance for Familial adenomatous polyposis 1. Last evaluated: 2022-09-13. Review status: criteria provided, single submitter. Criteria: Invitae Variant Classification Sherloc (09022015). Collection method: clinical testing. Allele origin: germline.
Comment: This sequence change replaces serine, which is neutral and polar, with arginine, which is basic and polar, at codon 780 of the APC protein (p.Ser780Arg). This variant is not present in population databases (gnomAD no frequency). This variant has not been reported in the literature in individuals affected with APC-related conditions. Advanced modeling of protein sequence and biophysical properties (such as structural, functional, and spatial information, amino acid conservation, physicochemical variation, residue mobility, and thermodynamic stability) performed at Invitae indicates that this missense variant is not expected to disrupt APC protein function. In summary, the available evidence is currently insufficient to determine the role of this variant in disease. Therefore, it has been classified as a Variant of Uncertain Significance.

NM_000038.6(APC):c.2338A>C (p.Ser780Arg)

Gene: APC (APC regulator of Wnt signaling pathway; plus strand). Cytogenetic location: 5q22.2.
Variant type: single nucleotide variant.
Coding change: c.2338A>C on transcript NM_000038.6 (MANE Select); coding-DNA position 2338, A replaced by C.
Protein change: p.Ser780Arg; replaces serine 780 with arginine.
Molecular consequence: missense variant.
Genome position (GRCh38, 1-based): chr5:112,837,932, A>C. VCF-style: chr5-112837932-A-C. GRCh37 (hg19) VCF-style: chr5-112173629-A-C.
Other names: c.2338A>C, p.Ser780Arg (NM_001127510.3, NM_001354895.2, NM_001407450.1); c.2284A>C, p.Ser762Arg (NM_001127511.3); c.2392A>C, p.Ser798Arg (NM_001354896.2, NM_001407447.1, NM_001407448.1 and 1 more transcripts); c.2368A>C, p.Ser790Arg (NM_001354897.2); c.2263A>C, p.Ser755Arg (NM_001354898.2); c.2254A>C, p.Ser752Arg (NM_001354899.2); c.2215A>C, p.Ser739Arg (NM_001354900.2); c.2161A>C, p.Ser721Arg (NM_001354901.2, NM_001407453.1); and 11 more; short protein forms S651R, S697R, S798R, S396R, S739R, S755R, S762R, S780R.
Identifiers: ClinVar variation 2124050 (VCV002124050.4), dbSNP rs2149866767, ClinGen allele CA16026462.